The following is an entry in ClinVar:

NM_001042492.3(NF1):c.6392dup (p.His2131fs)

Gene: NF1 (neurofibromin 1; plus strand). Cytogenetic location: 17q11.2.
Variant type: Duplication.
Coding change: c.6392dup on transcript NM_001042492.3 (MANE Select); coding-DNA position 6392, one base duplicated (A; older notation c.6392dupA).
Protein change: p.His2131fs; shifts the reading frame from histidine 2131.
Molecular consequence: frameshift variant.
Genome position (GRCh38, 1-based): chr17:31,336,879, A duplicated. VCF-style (leftmost placement, unchanged base first): chr17-31336878-C-CA. GRCh37 (hg19) VCF-style: chr17-29663896-C-CA.
Other names: c.6329dup, p.His2110Glnfs (NM_000267.4); short protein forms H2131fs, H2110fs.
Identifiers: ClinVar variation 2019113 (VCV002019113.4), dbSNP rs2508749992, ClinGen allele CA2580093333.

ClinVar aggregate classification (germline): Pathogenic (1 of 4 stars; one submission).

Conditions:
Neurofibromatosis, type 1 (NF1). Also called: NEUROFIBROMATOSIS, TYPE I, SOMATIC; Neurofibromatosis, type I; Peripheral type neurofibromatosis; VON RECKLINGHAUSEN DISEASE. Identifiers: Orphanet 636, MedGen C0027831, MONDO:0018975, OMIM 162200. Disease mechanism: loss of function.

Submission:

Labcorp Genetics (formerly Invitae), Labcorp
Classification: Pathogenic for Neurofibromatosis, type 1. Last evaluated: 2022-07-23. Review status: criteria provided, single submitter. Criteria: Invitae Variant Classification Sherloc (09022015). Collection method: clinical testing. Allele origin: germline.
Comment: For these reasons, this variant has been classified as Pathogenic. This variant has not been reported in the literature in individuals affected with NF1-related conditions. This variant is not present in population databases (gnomAD no frequency). This sequence change creates a premature translational stop signal (p.His2110Glnfs*12) in the NF1 gene. It is expected to result in an absent or disrupted protein product. Loss-of-function variants in NF1 are known to be pathogenic (PMID: 10712197, 23913538).

Literature cited by the submitters: PubMed 10712197; PubMed 23913538.